The following is an entry in ClinVar:

NM_032776.3(JMJD1C):c.5548G>A (p.Glu1850Lys)

Gene: JMJD1C (jumonji domain containing 1C; minus strand). Cytogenetic location: 10q21.3.
Variant type: single nucleotide variant.
Coding change: c.5548G>A on transcript NM_032776.3 (MANE Select); coding-DNA position 5548, G replaced by A.
Protein change: p.Glu1850Lys; replaces glutamic acid 1850 with lysine.
Molecular consequence: missense variant. On other transcripts: non-coding transcript variant (1).
Genome position (GRCh38, 1-based): chr10:63,197,507, C>T on the plus strand (G>A on the coding strand, the complement: JMJD1C is on the minus strand). VCF-style: chr10-63197507-C-T. GRCh37 (hg19) VCF-style: chr10-64957267-C-T.
Other names: c.5002G>A, p.Glu1668Lys (NM_001282948.2, NM_001318154.2); c.4684G>A, p.Glu1562Lys (NM_001318153.2); c.5434G>A, p.Glu1812Lys (NM_001322252.2); c.4891G>A, p.Glu1631Lys (NM_001322254.2, NM_001322258.2); short protein forms E1562K, E1631K, E1668K, E1812K, E1850K.
Identifiers: ClinVar variation 1721410 (VCV001721410.5), dbSNP rs2492525668, ClinGen allele CA377030881.

ClinVar aggregate classification (germline): Uncertain significance (1 of 4 stars; one submission).

Conditions:
Early Myoclonic Encephalopathy. Identifiers: MedGen C0270855.

Submission:

Labcorp Genetics (formerly Invitae), Labcorp
Classification: Uncertain significance for Early Myoclonic Encephalopathy. Last evaluated: 2022-10-10. Review status: criteria provided, single submitter. Criteria: Invitae Variant Classification Sherloc (09022015). Collection method: clinical testing. Allele origin: germline.
Comment: In summary, the available evidence is currently insufficient to determine the role of this variant in disease. Therefore, it has been classified as a Variant of Uncertain Significance. Advanced modeling of protein sequence and biophysical properties (such as structural, functional, and spatial information, amino acid conservation, physicochemical variation, residue mobility, and thermodynamic stability) performed at Invitae indicates that this missense variant is expected to disrupt JMJD1C protein function. This variant has not been reported in the literature in individuals affected with JMJD1C-related conditions. This variant is not present in population databases (gnomAD no frequency). This sequence change replaces glutamic acid, which is acidic and polar, with lysine, which is basic and polar, at codon 1850 of the JMJD1C protein (p.Glu1850Lys).